The following is an entry in ClinVar:

ClinVar aggregate classification (germline): Likely benign (1 of 4 stars; one submission).

Allele frequency attached by ClinVar (database versions not stated): TOPMed 0.00002; gnomAD 0.00001.
gnomAD v4.1: 40 of 1,526,694 alleles (0.0026%); highest among the groups gnomAD compares: East Asian, 0.0068%; no homozygotes.

Submission:

CeGaT Center for Human Genetics Tuebingen
Classification: Likely benign. Last evaluated: 2023-05-01. Review status: criteria provided, single submitter. Criteria: CeGaT Center For Human Genetics Tuebingen Variant Classification Criteria Version 2. Collection method: clinical testing. Allele origin: germline. Affected: yes. Observed: 1 variant allele.
Comment: RERE: BP4, BP7

NM_001042681.2(RERE):c.2289G>A (p.Thr763=)

Gene: RERE (arginine-glutamic acid dipeptide repeats; minus strand). Cytogenetic location: 1p36.23.
Variant type: single nucleotide variant.
Coding change: c.2289G>A on transcript NM_001042681.2 (MANE Select); coding-DNA position 2289, G replaced by A.
Protein change: p.Thr763=; no amino-acid change (threonine 763 retained).
Molecular consequence: synonymous variant.
Genome position (GRCh38, 1-based): chr1:8,361,218, C>T on the plus strand (G>A on the coding strand, the complement: RERE is on the minus strand). VCF-style: chr1-8361218-C-T. GRCh37 (hg19) VCF-style: chr1-8421278-C-T.
Other names: c.627G>A, p.Thr209= (NM_001042682.2); c.2289G>A, p.Thr763= (NM_012102.4).
Identifiers: ClinVar variation 2638173 (VCV002638173.24), dbSNP rs765940231, ClinGen allele CA571398.
Genomic context (GRCh38, chr1:8,361,218, plus strand): 5'-CTGGGAGGCCGTGGGGGAGCCCTGTGGGGGAACTGCAGTGGCAGAGGGCGTGGGCCCTGG[C>T]GTGGGCAGCTGAGGGGTCCCTGGAGGAGCTGAGGAGGGAGCTGGGGTGACCCCAGTGGGA-3'
Protein context (NP_001036146.1, residues 753-773): SAPPGTPQLP[Thr763=]PGPTPSATAV